The following is an entry in ClinVar:

ClinVar aggregate classification (germline): Uncertain significance (1 of 4 stars; one submission).

Conditions:
Hereditary cancer-predisposing syndrome. Also called: Tumor predisposition; Neoplastic Syndromes, Hereditary; Hereditary neoplastic syndrome; Hereditary Cancer Syndrome. Identifiers: Orphanet 140162, MedGen C0027672, MeSH D009386, MONDO:0015356.

Submission:

Ambry Genetics
Classification: Uncertain significance for Hereditary cancer-predisposing syndrome. Last evaluated: 2025-08-27. Review status: criteria provided, single submitter. Criteria: Ambry Variant Classification Scheme 2023. Collection method: clinical testing. Allele origin: germline.
Comment: The p.K418T variant (also known as c.1253A>C), located in coding exon 13 of the MUTYH gene, results from an A to C substitution at nucleotide position 1253. The lysine at codon 418 is replaced by threonine, an amino acid with similar properties. This amino acid position is conserved. In addition, this alteration is predicted to be tolerated by in silico analysis. Based on the available evidence, the clinical significance of this variant remains unclear.

NM_001048174.2(MUTYH):c.1169A>C (p.Lys390Thr)

Gene: MUTYH (mutY DNA glycosylase; minus strand). Cytogenetic location: 1p34.1.
Variant type: single nucleotide variant.
Coding change: c.1169A>C on transcript NM_001048174.2 (MANE Select); coding-DNA position 1169, A replaced by C.
Protein change: p.Lys390Thr; replaces lysine 390 with threonine.
Molecular consequence: missense variant. On other transcripts: non-coding transcript variant (7).
Genome position (GRCh38, 1-based): chr1:45,331,490, T>G on the plus strand (A>C on the coding strand, the complement: MUTYH is on the minus strand). VCF-style: chr1-45331490-T-G. GRCh37 (hg19) VCF-style: chr1-45797162-T-G.
Other names: c.1169A>C, p.Lys390Thr (NM_001048171.2, NM_001048173.2, NM_001293195.2 and 6 more transcripts); c.1172A>C, p.Lys391Thr (NM_001048172.2, NM_001407071.1, NM_001407078.1 and 1 more transcripts); c.1253A>C, p.Lys418Thr (NM_001128425.2); c.1214A>C, p.Lys405Thr (NM_001293190.2); c.1202A>C, p.Lys401Thr (NM_001293191.2, NM_001407069.1, NM_001407077.1); c.893A>C, p.Lys298Thr (NM_001293192.2, NM_001293196.2, NM_001407091.1); c.824A>C, p.Lys275Thr (NM_001350650.2, NM_001350651.2, NM_001407082.1); c.1085A>C, p.Lys362Thr (NM_001407075.1); and 5 more; short protein forms K401T, K404T, K405T, K298T, K377T, K390T, K362T, K397T.
Identifiers: ClinVar variation 4113132 (VCV004113132.1).